The following is an entry in ClinVar:

ClinVar aggregate classification (germline): Uncertain significance (1 of 4 stars; one submission).

Conditions:
Inborn genetic diseases. Identifiers: MedGen C0950123, MeSH D030342.

gnomAD v4.1: 1 of 1,614,002 alleles (0.000062%); highest among the groups gnomAD compares: South Asian, 0.0011%; no homozygotes.

Submission:

Ambry Genetics
Classification: Uncertain significance for Inborn genetic diseases. Last evaluated: 2025-04-18. Review status: criteria provided, single submitter. Criteria: Ambry Variant Classification Scheme 2023. Collection method: clinical testing. Allele origin: germline.
Comment: The p.K181R variant (also known as c.542A>G), located in coding exon 6 of the DDX41 gene, results from an A to G substitution at nucleotide position 542. The lysine at codon 181 is replaced by arginine, an amino acid with highly similar properties. This amino acid position is conserved. In addition, this alteration is predicted to be tolerated by in silico analysis. Based on the available evidence, the clinical significance of this variant remains unclear.

NM_016222.4(DDX41):c.542A>G (p.Lys181Arg)

Gene: DDX41 (DEAD-box helicase 41; minus strand). Cytogenetic location: 5q35.3.
Variant type: single nucleotide variant.
Coding change: c.542A>G on transcript NM_016222.4 (MANE Select); coding-DNA position 542, A replaced by G.
Protein change: p.Lys181Arg; replaces lysine 181 with arginine.
Molecular consequence: missense variant.
Genome position (GRCh38, 1-based): chr5:177,515,714, T>C on the plus strand (A>G on the coding strand, the complement: DDX41 is on the minus strand). VCF-style: chr5-177515714-T-C. GRCh37 (hg19) VCF-style: chr5-176942715-T-C.
Other names: c.164A>G, p.Lys55Arg (NM_001321732.2, NM_001321830.2); short protein forms K181R, K55R.
Identifiers: ClinVar variation 4010323 (VCV004010323.1).